The following is an entry in ClinVar:

NM_005120.3(MED12):c.6309_6323dup (p.Gln2115_His2116insGlnGlnGlnGlnGln)

Gene: MED12 (mediator complex subunit 12; plus strand). Cytogenetic location: Xq13.1.
Variant type: Duplication.
Coding change: c.6309_6323dup on transcript NM_005120.3 (MANE Select); coding-DNA positions 6309 to 6323, 15 bases duplicated (ACAGCAACAGCAGCA).
Protein change: p.Gln2115_His2116insGlnGlnGlnGlnGln.
Molecular consequence: inframe insertion.
Genome position (GRCh38, 1-based): chrX:71,141,271-71,141,285, ACAGCAACAGCAGCA duplicated; duplicating any 15 consecutive bases within chrX:71,141,263-71,141,285 gives the same sequence; the c. name uses the placement nearest the transcript's 3' end. VCF-style (leftmost placement, unchanged base first): chrX-71141262-G-GCAGCAGCAACAGCAA. GRCh37 (hg19) VCF-style: chrX-70361112-G-GCAGCAGCAACAGCAA.
Other names: c.6309_6323dup15 (NM_005120.2).
Identifiers: ClinVar variation 2817717 (VCV002817717.4), dbSNP rs2519722825, ClinGen allele CA2739273571.
Genomic context (GRCh38, chrX:71,141,262, plus strand): 5'-TTCTGAAGTATCTTTTGTGTTCTTATAGCAGCAGCAGCAACAGCAACAGCAGCAGCAGCA[G>GCAGCAGCAACAGCAA]CAGCAGCAACAGCAACAGCAGCAGCAGCAACAGCAACAACAGCAACACCAGCAGCAACAG-3'

ClinVar aggregate classification (germline): Uncertain significance. Review status: criteria provided, multiple submitters, no conflicts (2 of 4 stars). 2 submissions from 2 submitters: Uncertain significance (2). Last evaluated 2026-01-21.

Conditions:
FG syndrome (FGS). Identifiers: MedGen C0220769, MONDO:0002010.
MED12-Related Disorders. Also called: MED12-related disorder; MED12-related condition. Identifiers: MedGen CN381102.

Submissions (2):

PreventionGenetics, part of Exact Sciences
Classification: Uncertain significance for MED12-related condition. Last evaluated: 2026-01-21. Review status: criteria provided, single submitter. Criteria: ACMG Guidelines, 2015. Collection method: clinical testing. Allele origin: germline.
Comment: The MED12 c.6309_6323dup15 variant is predicted to result in an in-frame duplication (p.Gln2111_Gln2115dup). To our knowledge, this variant has not been reported in the literature or in a large population database (gnomAD), indicating this variant is rare. At this time, the clinical significance of this variant is uncertain due to the absence of conclusive functional and genetic evidence.

Labcorp Genetics (formerly Invitae), Labcorp
Classification: Uncertain significance for FG syndrome. Last evaluated: 2023-07-28. Review status: criteria provided, single submitter. Criteria: Invitae Variant Classification Sherloc (09022015). Collection method: clinical testing. Allele origin: germline.
Comment: This variant, c.6309_6323dup, results in the insertion of 5 amino acid(s) of the MED12 protein (p.Gln2111_Gln2115dup), but otherwise preserves the integrity of the reading frame. This variant is not present in population databases (gnomAD no frequency). This variant has not been reported in the literature in individuals affected with MED12-related conditions. Experimental studies and prediction algorithms are not available or were not evaluated, and the functional significance of this variant is currently unknown. In summary, the available evidence is currently insufficient to determine the role of this variant in disease. Therefore, it has been classified as a Variant of Uncertain Significance.